The following is an entry in ClinVar:

NM_003482.4(KMT2D):c.3455C>T (p.Pro1152Leu)

Genes: KMT2D (lysine methyltransferase 2D; minus strand), LOC126861520 (CDK7 strongly-dependent group 2 enhancer GRCh37_chr12:49442744-49443943; plus strand). Cytogenetic location: 12q13.12.
Variant type: single nucleotide variant.
Coding change: c.3455C>T on transcript NM_003482.4 (MANE Select); coding-DNA position 3455, C replaced by T.
Protein change: p.Pro1152Leu; replaces proline 1152 with leucine.
Molecular consequence: missense variant.
Genome position (GRCh38, 1-based): chr12:49,050,133, G>A on the plus strand (C>T on the coding strand, the complement: KMT2D is on the minus strand). VCF-style: chr12-49050133-G-A. GRCh37 (hg19) VCF-style: chr12-49443916-G-A.
Other names: c.3455C>T (NM_003482.3); short protein forms P1152L.
Identifiers: ClinVar variation 1512395 (VCV001512395.36), dbSNP rs765863571, ClinGen allele CA6548046.
Genomic context (GRCh38, chr12:49,050,133, plus strand): 5'-CATTCGGGGTAGACCTCCATAGGGGTCACAGGGGCCAGCTCCTCGGGGTCCAGGAGCACA[G>A]GGGAGCCTTTAAGTTCACTAGCCAAACTGCCAGGGGTCTGTCCAGGCTCTGGCTGTGAAC-3'
Protein context (NP_003473.3, residues 1142-1162): GSLASELKGS[Pro1152Leu]VLLDPEELAP

ClinVar aggregate classification (germline): Conflicting classifications of pathogenicity. Review status: criteria provided, conflicting classifications (1 of 4 stars). 6 submissions from 6 submitters: Uncertain significance (1); Benign (1); Likely benign (2). 2 of the submissions do not count toward it. Last evaluated 2025-12-01.

Conditions:
Inborn genetic diseases. Identifiers: MedGen C0950123, MeSH D030342.
Choanal atresia-athelia-hypothyroidism-delayed puberty-short stature syndrome (BCAHH). Also called: BRANCHIAL ARCH ABNORMALITIES, CHOANAL ATRESIA, ATHELIA, HEARING LOSS, AND HYPOTHYROIDISM SYNDROME. Identifiers: Orphanet 589856, MedGen C5680310, MONDO:0035651, OMIM 620186.
Kabuki syndrome 1 (KABUK1). Also called: KMT2D-Related Kabuki Syndrome. Identifiers: Orphanet 2322, MedGen CN030661, MONDO:0007843, OMIM 147920.
KMT2D-related disorder. Also called: KMT2D-Related Disorders.
Kabuki syndrome. Also called: Kabuki make-up syndrome; NIIKAWA-KUROKI SYNDROME. Identifiers: Orphanet 2322, MedGen C0796004, MONDO:0016512.

Allele frequency attached by ClinVar (database versions not stated): gnomAD 0.00001; gnomAD exomes 0.00001 and 0.00002; ExAC 0.00002.
gnomAD v4.1: 23 of 1,613,392 alleles (0.0014%); highest among the groups gnomAD compares: Admixed American, 0.0033%; no homozygotes.

Submissions (6):

CeGaT Center for Human Genetics Tuebingen
Classification: Likely benign. Last evaluated: 2025-12-01. Review status: criteria provided, single submitter. Criteria: CeGaT Center For Human Genetics Tuebingen Variant Classification Criteria Version 2. Collection method: clinical testing. Allele origin: germline. Affected: yes. Observed: 2 variant alleles.
Comment: KMT2D: PP2, BS2

Ambry Genetics
Classification: Likely benign for Inborn genetic diseases. Last evaluated: 2024-03-30. Review status: criteria provided, single submitter. Criteria: Ambry Variant Classification Scheme 2023. Collection method: clinical testing. Allele origin: germline.

Fulgent Genetics
Classification: Uncertain significance for Kabuki syndrome 1; Choanal atresia-athelia-hypothyroidism-delayed puberty-short stature syndrome. Last evaluated: 2024-03-22. Review status: criteria provided, single submitter. Criteria: ACMG Guidelines, 2015. Collection method: clinical testing. Allele origin: germline.

Labcorp Genetics (formerly Invitae), Labcorp
Classification: Benign for Kabuki syndrome. Last evaluated: 2022-11-22. Review status: criteria provided, single submitter. Criteria: Invitae Variant Classification Sherloc (09022015). Collection method: clinical testing. Allele origin: germline.

PreventionGenetics, part of Exact Sciences
Classification: Uncertain significance for KMT2D-related condition. Last evaluated: 2024-07-31. Review status: no assertion criteria provided. Collection method: clinical testing. Allele origin: germline. Not counted in ClinVar's aggregate classification.
Comment: The KMT2D c.3455C>T variant is predicted to result in the amino acid substitution p.Pro1152Leu. To our knowledge, this variant has not been reported in the literature. This variant is reported in 0.0036% of alleles in individuals of European (Non-Finnish) descent in gnomAD. At this time, the clinical significance of this variant is uncertain due to the absence of conclusive functional and genetic evidence.

Zotz-Klimas Genetics Lab, MVZ Zotz Klimas
Classification: Uncertain significance for Kabuki syndrome 1. Last evaluated: 2023-10-30. Review status: no assertion criteria provided. Collection method: clinical testing. Allele origin: germline. Affected: yes. Not counted in ClinVar's aggregate classification.